The following is an entry in ClinVar:

ClinVar aggregate classification (germline): Likely benign. Review status: criteria provided, multiple submitters, no conflicts (2 of 4 stars). 3 submissions from 3 submitters: Likely benign (3). Last evaluated 2026-01-28.

Conditions:
MTHFD1-related disorder. Also called: MTHFD1-related condition.

Allele frequency attached by ClinVar (database versions not stated): 1000 Genomes Project 30x 0.00016; 1000 Genomes Project 0.00020; ExAC 0.00032; ESP Exome Variant Server 0.00038; gnomAD 0.00049 and 0.00051.
gnomAD v4.1: 988 of 1,613,946 alleles (0.061%); highest among the groups gnomAD compares: Non-Finnish European, 0.078%; no homozygotes.

Submissions (3):

Labcorp Genetics (formerly Invitae), Labcorp
Classification: Likely benign. Last evaluated: 2026-01-28. Review status: criteria provided, single submitter. Criteria: Invitae Variant Classification Sherloc (09022015). Collection method: clinical testing. Allele origin: germline.

PreventionGenetics, part of Exact Sciences
Classification: Likely benign for MTHFD1-related condition. Last evaluated: 2025-03-04. Review status: criteria provided, single submitter. Criteria: ACMG Guidelines, 2015. Collection method: clinical testing. Allele origin: germline.
Comment: This variant is classified as likely benign based on ACMG/AMP sequence variant interpretation guidelines (Richards et al. 2015 PMID: 25741868, with internal and published modifications).

Blueprint Genetics
Classification: Likely benign. Last evaluated: 2024-11-11. Review status: criteria provided, single submitter. Criteria: ACMG Guidelines, 2015. Collection method: clinical testing. Allele origin: germline.

NM_005956.4(MTHFD1):c.1128-9G>A

Gene: MTHFD1 (methylenetetrahydrofolate dehydrogenase, cyclohydrolase and formyltetrahydrofolate synthetase 1; plus strand). Cytogenetic location: 14q23.3.
Variant type: single nucleotide variant.
Coding change: c.1128-9G>A on transcript NM_005956.4 (MANE Select); 9 bases into the intron before coding-DNA position 1128, G replaced by A.
Molecular consequence: intron variant.
Genome position (GRCh38, 1-based): chr14:64,427,328, G>A. VCF-style: chr14-64427328-G-A. GRCh37 (hg19) VCF-style: chr14-64894046-G-A.
Other names: c.1128-9G>A (NM_001364837.1, NM_005956.3).
Identifiers: ClinVar variation 1648215 (VCV001648215.10), dbSNP rs201730211, ClinGen allele CA7226147.